The following is an entry in ClinVar:

NM_000071.3(CBS):c.941T>C (p.Val314Ala)

Gene: CBS (cystathionine beta-synthase; minus strand). Cytogenetic location: 21q22.3.
Variant type: single nucleotide variant.
Coding change: c.941T>C on transcript NM_000071.3 (MANE Select); coding-DNA position 941, T replaced by C.
Protein change: p.Val314Ala; replaces valine 314 with alanine.
Molecular consequence: missense variant.
Genome position (GRCh38, 1-based): chr21:43,062,966, A>G on the plus strand (T>C on the coding strand, the complement: CBS is on the minus strand). VCF-style: chr21-43062966-A-G. GRCh37 (hg19) VCF-style: chr21-44483076-A-G.
Other names: c.941T>C, p.Val314Ala (NM_001178008.3, NM_001178009.3, NM_001320298.2); c.626T>C, p.Val209Ala (NM_001321072.1); short protein forms V209A, V314A.
Identifiers: ClinVar variation 978771 (VCV000978771.1), dbSNP rs1438933819, ClinGen allele CA410599956.
Genomic context (GRCh38, chr21:43,062,966, plus strand): 5'-GTTACAGGCTGCACCGGCACTGTGGCCGGGCTCTGGACTCGACCTACCGTCCTGTCCAGC[A>G]CCGTGGGGATGAAGTCGTAGCCGATCCCTTCCACCTCGTAGGTTGTCTGCTCCGTCTGGT-3'
Protein context (NP_000062.1, residues 304-324): EGIGYDFIPT[Val314Ala]LDRTVVDKWF

ClinVar aggregate classification (germline): Pathogenic (0 of 4 stars; one submission).

Conditions:
Classic homocystinuria. Also called: Homocystinuria due to Cystathionine Beta-Synthase Deficiency; HOMOCYSTINURIA WITH OR WITHOUT RESPONSE TO PYRIDOXINE; Homocystinuria due to CBS deficiency; Cystathionine beta-synthase deficiency; CBS deficiency. Identifiers: Orphanet 394, MedGen C0751202, MONDO:0009352, OMIM 236200.

Submission:

Child Health and Human Development Program, Research Institute of the McGill University Health Center
Classification: Pathogenic for Classic homocystinuria. Review status: no assertion criteria provided. Collection method: clinical testing. Allele origin: unknown. Inheritance: Autosomal recessive inheritance. Affected: yes. Observed: 1 compound heterozygote.
Comment: Clinical characteristics included lens dislocation and elevated fasting homocysteine.